The following is an entry in ClinVar:

NM_004548.3(NDUFB10):c.357dup (p.Ile120fs)

Genes: NDUFB10 (NADH:ubiquinone oxidoreductase subunit B10; plus strand), LOC130058198 (ATAC-STARR-seq lymphoblastoid active region 10241; plus strand). Cytogenetic location: 16p13.3.
Variant type: Duplication.
Coding change: c.357dup on transcript NM_004548.3 (MANE Select); coding-DNA position 357, one base duplicated (T; older notation c.357dupT).
Protein change: p.Ile120fs; shifts the reading frame from isoleucine 120.
Molecular consequence: frameshift variant.
Genome position (GRCh38, 1-based): chr16:1,961,584, T duplicated. VCF-style (leftmost placement, unchanged base first): chr16-1961583-G-GT. GRCh37 (hg19) VCF-style: chr16-2011584-G-GT.
Other names: short protein forms I120fs.
Identifiers: ClinVar variation 1973993 (VCV001973993.5), dbSNP rs2150871247, ClinGen allele CA2580090488.

ClinVar aggregate classification (germline): Uncertain significance (1 of 4 stars; one submission).

Submission:

Labcorp Genetics (formerly Invitae), Labcorp
Classification: Uncertain significance. Last evaluated: 2025-12-08. Review status: criteria provided, single submitter. Criteria: Invitae Variant Classification Sherloc (09022015). Collection method: clinical testing. Allele origin: germline.
Comment: This sequence change is expected to alter the c-terminus of the NDUFB10 protein (p.Ile120Tyrfs*67). While this is not anticipated to result in nonsense mediated decay, it is expected to disrupt the last 53 amino acid(s) of the NDUFB10 protein and extend the protein by 13 additional amino acid residues. This variant is not present in population databases (gnomAD no frequency). This variant has not been reported in the literature in individuals affected with NDUFB10-related conditions. ClinVar contains an entry for this variant (Variation ID: 1973993). Experimental studies and prediction algorithms are not available or were not evaluated, and the functional significance of this variant is currently unknown. In summary, the available evidence is currently insufficient to determine the role of this variant in disease. Therefore, it has been classified as a Variant of Uncertain Significance.